The following is an entry in ClinVar:

ClinVar aggregate classification (germline): Uncertain significance (1 of 4 stars; one submission).

Conditions:
Fetal akinesia deformation sequence 1 (FADS1). Also called: Fetal akinesia sequence; Pena-Shokeir syndrome type I. Identifiers: Orphanet 994, MedGen C1276035, MONDO:0100101, OMIM 208150, HP:0001989.
Congenital myasthenic syndrome 10. Also called: Myasthenia, limb-girdle, familial. Identifiers: Orphanet 590, MedGen C1850792, MONDO:0009690, OMIM 254300.

gnomAD v4.1: 3 of 1,608,570 alleles (0.00019%); highest among the groups gnomAD compares: Non-Finnish European, 0.00025%; no homozygotes.

Submission:

Labcorp Genetics (formerly Invitae), Labcorp
Classification: Uncertain significance for Congenital myasthenic syndrome 10; Fetal akinesia deformation sequence 1. Last evaluated: 2022-07-19. Review status: criteria provided, single submitter. Criteria: Invitae Variant Classification Sherloc (09022015). Collection method: clinical testing. Allele origin: germline.
Comment: In summary, the available evidence is currently insufficient to determine the role of this variant in disease. Therefore, it has been classified as a Variant of Uncertain Significance. Algorithms developed to predict the effect of missense changes on protein structure and function are either unavailable or do not agree on the potential impact of this missense change (SIFT: "Deleterious"; PolyPhen-2: "Probably Damaging"; Align-GVGD: "Class C0"). ClinVar contains an entry for this variant (Variation ID: 1383438). This variant has not been reported in the literature in individuals affected with DOK7-related conditions. This variant is not present in population databases (gnomAD no frequency). This sequence change replaces alanine, which is neutral and non-polar, with threonine, which is neutral and polar, at codon 487 of the DOK7 protein (p.Ala487Thr).

NM_173660.5(DOK7):c.1459G>A (p.Ala487Thr)

Gene: DOK7 (docking protein 7; plus strand). Cytogenetic location: 4p16.3.
Variant type: single nucleotide variant.
Coding change: c.1459G>A on transcript NM_173660.5 (MANE Select); coding-DNA position 1459, G replaced by A.
Protein change: p.Ala487Thr; replaces alanine 487 with threonine.
Molecular consequence: missense variant. On other transcripts: 3 prime UTR variant (1).
Genome position (GRCh38, 1-based): chr4:3,493,445, G>A. VCF-style: chr4-3493445-G-A. GRCh37 (hg19) VCF-style: chr4-3495172-G-A.
Other names: c.*680G>A (NM_001164673.2); c.529G>A, p.Ala177Thr (NM_001256896.2); c.1459G>A, p.Ala487Thr (NM_001301071.2); c.1027G>A, p.Ala343Thr (NM_001363811.2); short protein forms A343T, A487T, A177T.
Identifiers: ClinVar variation 1383438 (VCV001383438.6), dbSNP rs751342277, ClinGen allele CA356117999.